The following is an entry in ClinVar:

ClinVar aggregate classification (germline): Uncertain significance. Review status: criteria provided, multiple submitters, no conflicts (2 of 4 stars). 2 submissions from 2 submitters: Uncertain significance (2). Last evaluated 2024-12-02.

Conditions:
Inborn genetic diseases. Identifiers: MedGen C0950123, MeSH D030342.
Early Myoclonic Encephalopathy. Identifiers: MedGen C0270855.

Allele frequency attached by ClinVar (database versions not stated): ExAC 0.00002.
gnomAD v4.1: 39 of 1,611,840 alleles (0.0024%); highest among the groups gnomAD compares: Middle Eastern, 0.016%; no homozygotes.

Submissions (2):

Labcorp Genetics (formerly Invitae), Labcorp
Classification: Uncertain significance for Early Myoclonic Encephalopathy. Last evaluated: 2024-12-02. Review status: criteria provided, single submitter. Criteria: Invitae Variant Classification Sherloc (09022015). Collection method: clinical testing. Allele origin: germline.
Comment: This sequence change replaces valine, which is neutral and non-polar, with phenylalanine, which is neutral and non-polar, at codon 625 of the KCND2 protein (p.Val625Phe). This variant is present in population databases (rs757426235, gnomAD 0.003%). This variant has not been reported in the literature in individuals affected with KCND2-related conditions. ClinVar contains an entry for this variant (Variation ID: 1422388). Invitae Evidence Modeling of protein sequence and biophysical properties (such as structural, functional, and spatial information, amino acid conservation, physicochemical variation, residue mobility, and thermodynamic stability) indicates that this missense variant is expected to disrupt KCND2 protein function with a positive predictive value of 95%. In summary, the available evidence is currently insufficient to determine the role of this variant in disease. Therefore, it has been classified as a Variant of Uncertain Significance.

Ambry Genetics
Classification: Uncertain significance for Inborn genetic diseases. Last evaluated: 2023-06-29. Review status: criteria provided, single submitter. Criteria: Ambry Variant Classification Scheme 2023. Collection method: clinical testing. Allele origin: germline.

NM_012281.3(KCND2):c.1873G>T (p.Val625Phe)

Gene: KCND2 (potassium voltage-gated channel subfamily D member 2; plus strand). Cytogenetic location: 7q31.31.
Variant type: single nucleotide variant.
Coding change: c.1873G>T on transcript NM_012281.3 (MANE Select); coding-DNA position 1873, G replaced by T.
Protein change: p.Val625Phe; replaces valine 625 with phenylalanine.
Molecular consequence: missense variant.
Genome position (GRCh38, 1-based): chr7:120,747,838, G>T. VCF-style: chr7-120747838-G-T. GRCh37 (hg19) VCF-style: chr7-120387892-G-T.
Other names: c.1873G>T (NM_012281.2); short protein forms V625F.
Identifiers: ClinVar variation 1422388 (VCV001422388.9), dbSNP rs757426235, ClinGen allele CA4453765.
Genomic context (GRCh38, chr7:120,747,838, plus strand): 5'-GTAACCACACCAGAAGGAGACGATAGGCCAGAATCCCCTGAGTACTCAGGAGGAAATATT[G>T]TCAGAGTTTCTGCTTTGTAAGACAATTGGAATAAGGTCTAAGAGAATTCGAGCCCTGGCT-3'
Protein context (NP_036413.1, residues 615-630): ESPEYSGGNI[Val625Phe]RVSAL